The following is an entry in ClinVar:

NM_000053.4(ATP7B):c.111dup (p.Ala38fs)

Gene: ATP7B (ATPase copper transporting beta; minus strand). Cytogenetic location: 13q14.3.
Variant type: Duplication.
Coding change: c.111dup on transcript NM_000053.4 (MANE Select); coding-DNA position 111, one base duplicated (T; older notation c.111dupT).
Protein change: p.Ala38fs; shifts the reading frame from alanine 38.
Molecular consequence: frameshift variant.
Genome position (GRCh38, 1-based): chr13:51,975,109, A duplicated on the plus strand (T on the coding strand, the reverse complement: ATP7B is on the minus strand); the first of 4 consecutive A bases (chr13:51,975,109-51,975,112); duplicating any one gives the same sequence. VCF-style (leftmost placement, unchanged base first): chr13-51975108-C-CA. GRCh37 (hg19) VCF-style: chr13-52549244-C-CA.
Other names: c.111dup, p.Ala38fs (NM_001005918.3, NM_001243182.2, NM_001330578.2 and 1 more transcripts); c.111dupT (NM_000053.3); short protein forms A38fs.
Identifiers: ClinVar variation 554880 (VCV000554880.11), dbSNP rs1555296939, ClinGen allele CA610425867.

ClinVar aggregate classification (germline): Pathogenic. Review status: criteria provided, multiple submitters, no conflicts (2 of 4 stars). 8 submissions from 8 submitters: Pathogenic (7). 1 of the submissions does not count toward it. Last evaluated 2025-10-16.

Conditions:
Wilson disease (WND). Also called: Wilson's disease. Identifiers: Orphanet 905, MedGen C0019202, MONDO:0010200, OMIM 277900. Disease mechanism: loss of function.

Submissions (8):

Natera, Inc.
Classification: Pathogenic for Wilson disease. Last evaluated: 2025-10-16. Review status: criteria provided, single submitter. Criteria: Natera Variant Classification Schema (03/2026). Collection method: clinical testing. Allele origin: germline.
Comment: The c.111dupT variant in ATP7B is a frameshift variant predicted to shift the reading frame beginning at codon 38 and leads to a stop codon 3 codons downstream. This variant is expected to result in nonsense mediated decay, truncation, or a dysfunctional protein product. This variant is rare in the general population with a frequency below the threshold expected for the associated phenotype(s). This variant has been observed in one or more individuals affected with the associated recessive disease, as either homozygous or compound heterozygous with a second variant (PMID: 23518715). Given the available evidence, this variant is classified as Pathogenic.

ARUP Laboratories, Molecular Genetics and Genomics, ARUP Laboratories
Classification: Pathogenic for Wilson disease. Last evaluated: 2025-05-13. Review status: criteria provided, single submitter. Criteria: ARUP Molecular Germline Variant Investigation Process 2024. Collection method: clinical testing. Allele origin: germline.
Comment: The ATP7B c.111dup; p.Ala38CysfsTer3 variant (rs1555296939, ClinVar Variation ID: 554880) is reported in the literature in individuals affected with Wilson disease (Coffey 2013, Nayagam 2023). This variant is only observed on one allele in the Genome Aggregation Database (v2.1.1), indicating it is not a common polymorphism. This variant causes a frameshift by duplicating a single nucleotide, so it is predicted to result in a truncated protein or mRNA subject to nonsense-mediated decay. Based on available information, this variant is considered to be pathogenic. References: Coffey AJ et al. A genetic study of Wilson's disease in the United Kingdom. Brain. 2013 May;136(Pt 5):1476-87. PMID: 23518715. Nayagam JS et al. ATP7B Genotype and Chronic Liver Disease Treatment Outcomes in Wilson Disease: Worse Survival With Loss-of-Function Variants. Clin Gastroenterol Hepatol. 2023 May;21(5):1323-1329.e4. PMID: 36096368.

Baylor Genetics
Classification: Pathogenic for Wilson disease. Last evaluated: 2024-02-03. Review status: criteria provided, single submitter. Criteria: ACMG Guidelines, 2015. Collection method: clinical testing. Allele origin: unknown.

Women's Health and Genetics/Laboratory Corporation of America, LabCorp
Classification: Pathogenic for Wilson disease. Last evaluated: 2022-01-13. Review status: criteria provided, single submitter. Criteria: LabCorp Variant Classification Summary - May 2015. Collection method: clinical testing. Allele origin: germline.
Comment: Variant summary: ATP7B c.111dupT (p.Ala38CysfsX3) results in a premature termination codon, predicted to cause a truncation of the encoded protein or absence of the protein due to nonsense mediated decay, which are commonly known mechanisms for disease. Truncations downstream of this position have been classified as pathogenic by our laboratory. The variant allele was found at a frequency of 4e-06 in 249446 control chromosomes (gnomAD). c.111dupT has been reported in the literature in individuals affected with Wilson Disease (Coffey_2013). These data indicate that the variant is likely to be associated with disease. To our knowledge, no experimental evidence demonstrating an impact on protein function has been reported. Two ClinVar submitters (evaluation after 2014) cite the variant as pathogenic. Based on the evidence outlined above, the variant was classified as pathogenic.

Genome-Nilou Lab
Classification: Pathogenic for Wilson disease. Last evaluated: 2021-08-10. Review status: criteria provided, single submitter. Criteria: ACMG Guidelines, 2015. Collection method: clinical testing. Allele origin: germline. Affected: no.

Laboratory for Molecular Medicine, Mass General Brigham Personalized Medicine
Classification: Pathogenic for Wilson disease. Last evaluated: 2020-06-11. Review status: criteria provided, single submitter. Criteria: ACMG Guidelines, 2015. Collection method: clinical testing. Allele origin: germline.
Comment: The p.Ala38CysfsX3 variant in ATP7B has been previously reported in 2 individuals with Wilson disease who were compound heterozygous for two different known pathogenic ATP7B variants (p.Asn1270Ser and p.His1069Gln) (PMID 23518715). It has been reported in ClinVar by a clinical laboratory (Variation ID 554880). This variant has also been identified in 0.0008% (1/113170) of European chromosomes by gnomAD. This variant is predicted to cause a frameshift, which alters the protein’s amino acid sequence beginning at position 38 and leads to a premature termination codon 3 amino acids downstream. This alteration is then predicted to lead to a truncated or absent protein. Loss of function of the ATP7B gene is an established disease mechanism in autosomal recessive Wilson disease. In summary, this variant meets criteria to be classified as pathogenic for autosomal recessive Wilson disease. ACMG/AMP Criteria applied: PVS1, PM2, PM3, PP4.

Victorian Clinical Genetics Services, Murdoch Childrens Research Institute
Classification: Pathogenic for Wilson disease. Last evaluated: 2019-08-28. Review status: criteria provided, single submitter. Criteria: ACMG Guidelines, 2015. Collection method: clinical testing. Allele origin: germline. Inheritance: Autosomal recessive inheritance.
Comment: A heterozygous frameshift duplication variant, NM_000053.3(ATP7B):c.111dupT, has been identified in exon 2 of 21 of the ATP7B gene. This duplication is predicted to create a frameshift starting at amino acid position 38, introducing a stop codon 3 residues downstream (NP_000044.2(ATP7B):p.Ala38Cysfs*3). This variant is predicted to result in loss of protein function either through nonsense-mediated decay, which is a reported mechanism of pathogenicity for this gene. The variant is present in the gnomAD database at a frequency of 0.00040% (1 heterozygote, 0 homozygotes). The variant has been previously described as pathogenic and reported in a patient with Wilson's disease (ClinVar, Coffey, A. J., et al. (2013)). Many up- and downstream variants also resulting in a premature termination codon have been reported in patients with Wilson's disease (ClinVar). Based on the information available at the time of curation, this variant has been classified as PATHOGENIC.

Counsyl
Classification: Pathogenic for Wilson disease. Last evaluated: 2017-11-15. Review status: no assertion criteria provided. Collection method: clinical testing. Allele origin: unknown. Not counted in ClinVar's aggregate classification.

Literature cited by the submitters: PubMed 23518715 (cited by 4 submitters).